The following is an entry in ClinVar:

NM_001330700.2(TOP2B):c.563C>G (p.Ala188Gly)

Gene: TOP2B (DNA topoisomerase II beta; minus strand). Cytogenetic location: 3p24.2.
Variant type: single nucleotide variant.
Coding change: c.563C>G on transcript NM_001330700.2 (MANE Select); coding-DNA position 563, C replaced by G.
Protein change: p.Ala188Gly; replaces alanine 188 with glycine.
Molecular consequence: missense variant.
Genome position (GRCh38, 1-based): chr3:25,637,291, G>C on the plus strand (C>G on the coding strand, the complement: TOP2B is on the minus strand). VCF-style: chr3-25637291-G-C. GRCh37 (hg19) VCF-style: chr3-25678782-G-C.
Other names: c.548C>G, p.Ala183Gly (NM_001068.3); short protein forms A183G, A188G.
Identifiers: ClinVar variation 4690127 (VCV004690127.2).

ClinVar aggregate classification (germline): Uncertain significance. Review status: criteria provided, multiple submitters, no conflicts (2 of 4 stars). 2 submissions from 2 submitters: Uncertain significance (2). Last evaluated 2025-07-31.

Submissions (2):

GeneDx
Classification: Uncertain significance. Last evaluated: 2025-07-31. Review status: criteria provided, single submitter. Criteria: GeneDx Variant Classification Process June 2021. Collection method: clinical testing. Allele origin: germline. Affected: yes.
Comment: Not observed at significant frequency in large population cohorts (gnomAD); In silico analysis supports that this missense variant has a deleterious effect on protein structure/function; Has not been previously published as pathogenic or benign to our knowledge

Labcorp Genetics (formerly Invitae), Labcorp
Classification: Uncertain significance. Last evaluated: 2025-07-16. Review status: criteria provided, single submitter. Criteria: Invitae Variant Classification Sherloc (09022015). Collection method: clinical testing. Allele origin: germline.
Comment: This sequence change replaces alanine, which is neutral and non-polar, with glycine, which is neutral and non-polar, at codon 183 of the TOP2B protein (p.Ala183Gly). This variant is not present in population databases (gnomAD no frequency). This variant has not been reported in the literature in individuals affected with TOP2B-related conditions. An algorithm developed to predict the effect of missense changes on protein structure and function (PolyPhen-2) suggests that this variant is likely to be disruptive. In summary, the available evidence is currently insufficient to determine the role of this variant in disease. Therefore, it has been classified as a Variant of Uncertain Significance.